The following is an entry in ClinVar:

ClinVar aggregate classification (germline): Conflicting classifications of pathogenicity. Review status: criteria provided, conflicting classifications (1 of 4 stars). 3 submissions from 3 submitters: Uncertain significance (1); Likely benign (2). Last evaluated 2024-09-25.

Conditions:
Epilepsy, familial focal, with variable foci 3 (FFEVF3). Identifiers: MedGen C4310708, MONDO:0014925, OMIM 617118.
Inborn genetic diseases. Identifiers: MedGen C0950123, MeSH D030342.

Allele frequency attached by ClinVar (database versions not stated): TOPMed 0.00002; gnomAD exomes 0.00003.
gnomAD v4.1: 36 of 1,613,988 alleles (0.0022%); highest among the groups gnomAD compares: South Asian, 0.04%; no homozygotes.

Submissions (3):

Blueprint Genetics
Classification: Likely benign. Last evaluated: 2024-09-25. Review status: criteria provided, single submitter. Criteria: ACMG Guidelines, 2015. Collection method: clinical testing. Allele origin: germline.

Ambry Genetics
Classification: Likely benign for Inborn genetic diseases. Last evaluated: 2023-05-23. Review status: criteria provided, single submitter. Criteria: Ambry Variant Classification Scheme 2023. Collection method: clinical testing. Allele origin: germline.

Labcorp Genetics (formerly Invitae), Labcorp
Classification: Uncertain significance for Epilepsy, familial focal, with variable foci 3. Last evaluated: 2023-05-16. Review status: criteria provided, single submitter. Criteria: Invitae Variant Classification Sherloc (09022015). Collection method: clinical testing. Allele origin: germline.
Comment: In summary, the available evidence is currently insufficient to determine the role of this variant in disease. Therefore, it has been classified as a Variant of Uncertain Significance. Advanced modeling of protein sequence and biophysical properties (such as structural, functional, and spatial information, amino acid conservation, physicochemical variation, residue mobility, and thermodynamic stability) performed at Invitae indicates that this missense variant is not expected to disrupt NPRL3 protein function. This variant has not been reported in the literature in individuals affected with NPRL3-related conditions. This variant is present in population databases (rs774447369, gnomAD 0.05%), and has an allele count higher than expected for a pathogenic variant. This sequence change replaces threonine, which is neutral and polar, with isoleucine, which is neutral and non-polar, at codon 288 of the NPRL3 protein (p.Thr288Ile).

NM_001077350.3(NPRL3):c.863C>T (p.Thr288Ile)

Genes: HBA-LCR (alpha-globin locus control region; plus strand), NPRL3 (NPR3 like, GATOR1 complex subunit; minus strand). Cytogenetic location: 16p13.3.
Variant type: single nucleotide variant.
Coding change: c.863C>T on transcript NM_001077350.3 (MANE Select); coding-DNA position 863, C replaced by T.
Protein change: p.Thr288Ile; replaces threonine 288 with isoleucine.
Molecular consequence: missense variant.
Genome position (GRCh38, 1-based): chr16:98,206, G>A on the plus strand (C>T on the coding strand, the complement: NPRL3 is on the minus strand). VCF-style: chr16-98206-G-A. GRCh37 (hg19) VCF-style: chr16-148204-G-A.
Other names: c.326C>T, p.Thr109Ile (NM_001039476.3); c.629C>T, p.Thr210Ile (NM_001243247.2); c.788C>T, p.Thr263Ile (NM_001243248.2, NM_001243249.2); short protein forms T288I, T263I, T109I, T210I.
Identifiers: ClinVar variation 2550126 (VCV002550126.6), dbSNP rs774447369, ClinGen allele CA7769520.